The following is an entry in ClinVar:

NM_198576.4(AGRN):c.5092C>T (p.Arg1698Cys)

Gene: AGRN (agrin; plus strand). Cytogenetic location: 1p36.33.
Variant type: single nucleotide variant.
Coding change: c.5092C>T on transcript NM_198576.4 (MANE Select); coding-DNA position 5092, C replaced by T.
Protein change: p.Arg1698Cys; replaces arginine 1698 with cysteine.
Molecular consequence: missense variant.
Genome position (GRCh38, 1-based): chr1:1,050,542, C>T. VCF-style: chr1-1050542-C-T. GRCh37 (hg19) VCF-style: chr1-985922-C-T.
Other names: c.5092C>T, p.Arg1698Cys (NM_001305275.2); c.4777C>T, p.Arg1593Cys (NM_001364727.2); short protein forms R1593C, R1698C.
Identifiers: ClinVar variation 2202691 (VCV002202691.4), dbSNP rs771576402, ClinGen allele CA509847.

ClinVar aggregate classification (germline): Uncertain significance (1 of 4 stars; one submission).

Conditions:
Congenital myasthenic syndrome 8. Also called: Myasthenic syndrome, congenital, 8, with pre- and postsynaptic defects; MYASTHENIC SYNDROME, CONGENITAL, DUE TO AGRIN DEFICIENCY. Identifiers: Orphanet 590, MedGen C3808739, MONDO:0014052, OMIM 615120.

gnomAD v4.1: 14 of 1,612,644 alleles (0.00087%); highest among the groups gnomAD compares: East Asian, 0.0022%; no homozygotes.

Submission:

Labcorp Genetics (formerly Invitae), Labcorp
Classification: Uncertain significance for Congenital myasthenic syndrome 8. Last evaluated: 2022-04-25. Review status: criteria provided, single submitter. Criteria: Invitae Variant Classification Sherloc (09022015). Collection method: clinical testing. Allele origin: germline.
Comment: In summary, the available evidence is currently insufficient to determine the role of this variant in disease. Therefore, it has been classified as a Variant of Uncertain Significance. Experimental studies have shown that this missense change affects AGRN function (PMID: 29258548). Algorithms developed to predict the effect of missense changes on protein structure and function are either unavailable or do not agree on the potential impact of this missense change (SIFT: "Tolerated"; PolyPhen-2: "Probably Damaging"; Align-GVGD: "Class C0"). This missense change has been observed in individual(s) with congenital myasthenic syndrome (PMID: 29258548). This variant is present in population databases (rs771576402, gnomAD 0.0009%). This sequence change replaces arginine, which is basic and polar, with cysteine, which is neutral and slightly polar, at codon 1698 of the AGRN protein (p.Arg1698Cys).

Literature cited by the submitters: PubMed 29258548.